The following is an entry in ClinVar:

NM_017849.4(TMEM127):c.71C>T (p.Pro24Leu)

Genes: TMEM127 (transmembrane protein 127; minus strand), LOC129934333 (ATAC-STARR-seq lymphoblastoid silent region 11759; plus strand). Cytogenetic location: 2q11.2.
Variant type: single nucleotide variant.
Coding change: c.71C>T on transcript NM_017849.4 (MANE Select); coding-DNA position 71, C replaced by T.
Protein change: p.Pro24Leu; replaces proline 24 with leucine.
Molecular consequence: missense variant. On other transcripts: intron variant (1).
Genome position (GRCh38, 1-based): chr2:96,265,311, G>A on the plus strand (C>T on the coding strand, the complement: TMEM127 is on the minus strand). VCF-style: chr2-96265311-G-A. GRCh37 (hg19) VCF-style: chr2-96931049-G-A.
Other names: c.71C>T, p.Pro24Leu (NM_001193304.3); c.-9+558C>T (NM_001407283.1); short protein forms P24L.
Identifiers: ClinVar variation 5030893 (VCV005030893.1).

ClinVar aggregate classification (germline): Uncertain significance (1 of 4 stars; one submission).

Conditions:
Hereditary cancer-predisposing syndrome. Also called: Neoplastic Syndromes, Hereditary; Tumor predisposition; Hereditary neoplastic syndrome; Hereditary Cancer Syndrome. Identifiers: Orphanet 140162, MedGen C0027672, MeSH D009386, MONDO:0015356.

gnomAD v4.1: 1 of 1,538,380 alleles (0.000065%); highest among the groups gnomAD compares: East Asian, 0.0024%; no homozygotes.

Submission:

Ambry Genetics
Classification: Uncertain significance for Hereditary cancer-predisposing syndrome. Last evaluated: 2026-07-07. Review status: criteria provided, single submitter. Criteria: Ambry Variant Classification Scheme 2023. Collection method: clinical testing. Allele origin: germline.
Comment: The p.P24L variant (also known as c.71C>T), located in coding exon 1 of the TMEM127 gene, results from a C to T substitution at nucleotide position 71. The proline at codon 24 is replaced by leucine, an amino acid with similar properties. This amino acid position is conserved. In addition, the in silico prediction for this alteration is inconclusive. Based on the available evidence, the clinical significance of this variant remains unclear.